The following is an entry in ClinVar:

NM_003737.4(DCHS1):c.1182T>A (p.Asp394Glu)

Gene: DCHS1 (dachsous cadherin-related 1; minus strand). Cytogenetic location: 11p15.4.
Variant type: single nucleotide variant.
Coding change: c.1182T>A on transcript NM_003737.4 (MANE Select); coding-DNA position 1182, T replaced by A.
Protein change: p.Asp394Glu; replaces aspartic acid 394 with glutamic acid.
Molecular consequence: missense variant.
Genome position (GRCh38, 1-based): chr11:6,640,432, A>T on the plus strand (T>A on the coding strand, the complement: DCHS1 is on the minus strand). VCF-style: chr11-6640432-A-T. GRCh37 (hg19) VCF-style: chr11-6661663-A-T.
Other names: short protein forms D394E.
Identifiers: ClinVar variation 1948334 (VCV001948334.2), dbSNP rs2493841343, ClinGen allele CA379436222.

ClinVar aggregate classification (germline): Uncertain significance (1 of 4 stars; one submission).

Allele frequency attached by ClinVar (database versions not stated): gnomAD exomes below 0.00001.
gnomAD v4.1: 1 of 1,613,924 alleles (0.000062%); highest among the groups gnomAD compares: Non-Finnish European, 0.000085%; no homozygotes.

Submission:

Labcorp Genetics (formerly Invitae), Labcorp
Classification: Uncertain significance. Last evaluated: 2021-11-03. Review status: criteria provided, single submitter. Criteria: Invitae Variant Classification Sherloc (09022015). Collection method: clinical testing. Allele origin: germline.
Comment: This sequence change replaces aspartic acid, which is acidic and polar, with glutamic acid, which is acidic and polar, at codon 394 of the DCHS1 protein (p.Asp394Glu). This variant is not present in population databases (gnomAD no frequency). This variant has not been reported in the literature in individuals affected with DCHS1-related conditions. Algorithms developed to predict the effect of missense changes on protein structure and function are either unavailable or do not agree on the potential impact of this missense change (SIFT: "Deleterious"; PolyPhen-2: "Probably Damaging"; Align-GVGD: "Class C0"). In summary, the available evidence is currently insufficient to determine the role of this variant in disease. Therefore, it has been classified as a Variant of Uncertain Significance.